The following is an entry in ClinVar:

NM_031935.3(HMCN1):c.13461C>G (p.Asn4487Lys)

Gene: HMCN1 (hemicentin 1; plus strand). Cytogenetic location: 1q31.1.
Variant type: single nucleotide variant.
Coding change: c.13461C>G on transcript NM_031935.3 (MANE Select); coding-DNA position 13461, C replaced by G.
Protein change: p.Asn4487Lys; replaces asparagine 4487 with lysine.
Molecular consequence: missense variant.
Genome position (GRCh38, 1-based): chr1:186,136,816, C>G. VCF-style: chr1-186136816-C-G. GRCh37 (hg19) VCF-style: chr1-186105948-C-G.
Other names: c.13461C>G (NM_031935.2); short protein forms N4487K.
Identifiers: ClinVar variation 2008938 (VCV002008938.5), dbSNP rs368506851, ClinGen allele CA1294669.

ClinVar aggregate classification (germline): Uncertain significance. Review status: criteria provided, multiple submitters, no conflicts (2 of 4 stars). 2 submissions from 2 submitters: Uncertain significance (2). Last evaluated 2025-06-25.

Allele frequency attached by ClinVar (database versions not stated): TOPMed 0.00002.
gnomAD v4.1: 10 of 1,614,018 alleles (0.00062%); highest among the groups gnomAD compares: Non-Finnish European, 0.00085%; no homozygotes.

Submissions (2):

Ambry Genetics
Classification: Uncertain significance. Last evaluated: 2025-06-25. Review status: criteria provided, single submitter. Criteria: Ambry Variant Classification Scheme 2023. Collection method: clinical testing. Allele origin: germline.

Labcorp Genetics (formerly Invitae), Labcorp
Classification: Uncertain significance. Last evaluated: 2022-06-22. Review status: criteria provided, single submitter. Criteria: Invitae Variant Classification Sherloc (09022015). Collection method: clinical testing. Allele origin: germline.
Comment: In summary, the available evidence is currently insufficient to determine the role of this variant in disease. Therefore, it has been classified as a Variant of Uncertain Significance. Algorithms developed to predict the effect of missense changes on protein structure and function output the following: SIFT: "Tolerated"; PolyPhen-2: "Benign"; Align-GVGD: "Class C0". The lysine amino acid residue is found in multiple mammalian species, which suggests that this missense change does not adversely affect protein function. This variant has not been reported in the literature in individuals affected with HMCN1-related conditions. This variant is present in population databases (rs368506851, gnomAD 0.002%). This sequence change replaces asparagine, which is neutral and polar, with lysine, which is basic and polar, at codon 4487 of the HMCN1 protein (p.Asn4487Lys).